The following is an entry in ClinVar:

NM_002225.5(IVD):c.890C>T (p.Ala297Val)

Gene: IVD (isovaleryl-CoA dehydrogenase; plus strand). Cytogenetic location: 15q15.1.
Variant type: single nucleotide variant.
Coding change: c.890C>T on transcript NM_002225.5 (MANE Select); coding-DNA position 890, C replaced by T.
Protein change: p.Ala297Val; replaces alanine 297 with valine.
Molecular consequence: missense variant. On other transcripts: non-coding transcript variant (1).
Genome position (GRCh38, 1-based): chr15:40,415,412, C>T. VCF-style: chr15-40415412-C-T. GRCh37 (hg19) VCF-style: chr15-40707611-C-T.
Other names: c.800C>T, p.Ala267Val (NM_001159508.3); c.842C>T, p.Ala281Val (NM_001354597.3); c.890C>T, p.Ala297Val (NM_001354598.3, NM_001354601.3); c.977C>T, p.Ala326Val (NM_001354599.3, NM_001354600.3); short protein forms A297V, A326V, A267V, A281V.
Identifiers: ClinVar variation 203792 (VCV000203792.14), dbSNP rs796051983, ClinGen allele CA312669.

ClinVar aggregate classification (germline): Pathogenic/Likely pathogenic. Review status: criteria provided, multiple submitters, no conflicts (2 of 4 stars). 6 submissions from 6 submitters: Pathogenic (2); Likely pathogenic (3). 1 of the submissions does not count toward it. Last evaluated 2026-01-25.

Conditions:
Isovaleryl-CoA dehydrogenase deficiency (IVA). Also called: Classic Isovaleric Acidemia; IVD DEFICIENCY; ISOVALERIC ACID CoA DEHYDROGENASE DEFICIENCY; Isovaleric acidemia. Identifiers: Orphanet 33, MedGen C0268575, MONDO:0009475, OMIM 243500.

Allele frequency attached by ClinVar (database versions not stated): TOPMed below 0.00001; gnomAD exomes 0.00001.
gnomAD v4.1: 7 of 1,614,056 alleles (0.00043%); highest among the groups gnomAD compares: East Asian, 0.0045%; no homozygotes.

Submissions (6):

Labcorp Genetics (formerly Invitae), Labcorp
Classification: Pathogenic for Isovaleryl-CoA dehydrogenase deficiency. Last evaluated: 2026-01-25. Review status: criteria provided, single submitter. Criteria: Invitae Variant Classification Sherloc (09022015). Collection method: clinical testing. Allele origin: germline.
Comment: This sequence change replaces alanine, which is neutral and non-polar, with valine, which is neutral and non-polar, at codon 300 of the IVD protein (p.Ala300Val). This variant is present in population databases (rs796051983, gnomAD 0.006%). This missense change has been observed in individual(s) with isovaleric acidemia (PMID: 25220015, 31707166, 35782626). In at least one individual the data is consistent with being in trans (on the opposite chromosome) from a pathogenic variant. This variant is also known as c.890C>T p.Ala268Val; c.890C >T; p.Ala297Val . ClinVar contains an entry for this variant (Variation ID: 203792). An algorithm developed to predict the effect of missense changes on protein structure and function (PolyPhen-2) suggests that this variant is likely to be disruptive. For these reasons, this variant has been classified as Pathogenic.

Natera, Inc.
Classification: Likely pathogenic for Isovaleryl-coa dehydrogenase deficiency. Last evaluated: 2025-12-31. Review status: criteria provided, single submitter. Criteria: Natera Variant Classification Schema (03/2026). Collection method: clinical testing. Allele origin: germline.
Comment: The c.899C>T variant in IVD is a missense variant predicted to cause substitution of alanine to valine at amino acid 300. This variant is rare in the general population with a frequency below the threshold expected for the associated phenotype(s). This variant has been observed in one or more individuals affected with the associated recessive disease, as either homozygous or compound heterozygous with a second variant (PMID: 25220015, 31707166). Additionally, this variant has been observed to segregate in affected family members (PMID: 25220015). Computational prediction algorithms indicate this variant is likely to affect gene or protein function. Given the available evidence, this variant is classified as Likely Pathogenic.

Baylor Genetics
Classification: Pathogenic for Isovaleryl-CoA dehydrogenase deficiency. Last evaluated: 2024-01-01. Review status: criteria provided, single submitter. Criteria: ACMG Guidelines, 2015. Collection method: clinical testing. Allele origin: unknown.

Revvity Omics, Revvity
Classification: Likely pathogenic for Isovaleryl-CoA dehydrogenase deficiency. Last evaluated: 2021-11-19. Review status: criteria provided, single submitter. Criteria: ACMG Guidelines, 2015. Collection method: clinical testing. Allele origin: germline.

CENTOGENE GmbH and LLC - Guiding Precision Medicine
Classification: Likely pathogenic for Isovaleric acidemia. Review status: criteria provided, single submitter. Criteria: ACMG Guidelines, 2015. Collection method: clinical testing. Allele origin: germline. Affected: yes.

Counsyl
Classification: Likely pathogenic for Isovaleryl-CoA dehydrogenase deficiency. Last evaluated: 2016-08-02. Review status: no assertion criteria provided. Collection method: clinical testing. Allele origin: unknown. Not counted in ClinVar's aggregate classification.

Literature cited by the submitters: PubMed 25220015 (cited by 3 submitters); PubMed 31707166 (cited by Labcorp Genetics (formerly Invitae), Labcorp and Natera, Inc.); PubMed 35782626 (cited by Labcorp Genetics (formerly Invitae), Labcorp).